The following is an entry in ClinVar:

NM_004629.2(FANCG):c.662T>A (p.Ile221Asn)

Gene: FANCG (FA complementation group G; minus strand). Cytogenetic location: 9p13.3.
Variant type: single nucleotide variant.
Coding change: c.662T>A on transcript NM_004629.2 (MANE Select); coding-DNA position 662, T replaced by A.
Protein change: p.Ile221Asn; replaces isoleucine 221 with asparagine.
Molecular consequence: missense variant.
Genome position (GRCh38, 1-based): chr9:35,077,086, A>T on the plus strand (T>A on the coding strand, the complement: FANCG is on the minus strand). VCF-style: chr9-35077086-A-T. GRCh37 (hg19) VCF-style: chr9-35077083-A-T.
Other names: c.662T>A (NM_004629.1); short protein forms I221N.
Identifiers: ClinVar variation 1036676 (VCV001036676.9), dbSNP rs1829099355, ClinGen allele CA373313750.

ClinVar aggregate classification (germline): Uncertain significance. Review status: criteria provided, multiple submitters, no conflicts (2 of 4 stars). 2 submissions from 2 submitters: Uncertain significance (2). Last evaluated 2025-10-05.

Conditions:
Fanconi anemia (FA). Also called: Fanconi's anemia. Identifiers: Orphanet 84, MedGen C0015625, MeSH D005199, MONDO:0019391.
Inborn genetic diseases. Identifiers: MedGen C0950123, MeSH D030342.

Submissions (2):

Ambry Genetics
Classification: Uncertain significance for Inborn genetic diseases. Last evaluated: 2025-10-05. Review status: criteria provided, single submitter. Criteria: Ambry Variant Classification Scheme 2023. Collection method: clinical testing. Allele origin: germline.
Comment: The p.I221N variant (also known as c.662T>A), located in coding exon 6 of the FANCG gene, results from a T to A substitution at nucleotide position 662. The isoleucine at codon 221 is replaced by asparagine, an amino acid with dissimilar properties. This amino acid position is conserved. In addition, this alteration is predicted to be tolerated by in silico analysis. Based on the available evidence, the clinical significance of this variant remains unclear.

Labcorp Genetics (formerly Invitae), Labcorp
Classification: Uncertain significance for Fanconi anemia. Last evaluated: 2024-11-19. Review status: criteria provided, single submitter. Criteria: Invitae Variant Classification Sherloc (09022015). Collection method: clinical testing. Allele origin: germline.
Comment: This sequence change replaces isoleucine, which is neutral and non-polar, with asparagine, which is neutral and polar, at codon 221 of the FANCG protein (p.Ile221Asn). This variant is not present in population databases (gnomAD no frequency). This variant has not been reported in the literature in individuals affected with FANCG-related conditions. ClinVar contains an entry for this variant (Variation ID: 1036676). Invitae Evidence Modeling of protein sequence and biophysical properties (such as structural, functional, and spatial information, amino acid conservation, physicochemical variation, residue mobility, and thermodynamic stability) indicates that this missense variant is not expected to disrupt FANCG protein function with a negative predictive value of 80%. In summary, the available evidence is currently insufficient to determine the role of this variant in disease. Therefore, it has been classified as a Variant of Uncertain Significance.